The following is an entry in ClinVar:

NM_006767.4(LZTR1):c.2347dup (p.Thr783fs)

Gene: LZTR1 (leucine zipper like post translational regulator 1; plus strand). Cytogenetic location: 22q11.21.
Variant type: Duplication.
Coding change: c.2347dup on transcript NM_006767.4 (MANE Select); coding-DNA position 2347, one base duplicated (A; older notation c.2347dupA).
Protein change: p.Thr783fs; shifts the reading frame from threonine 783.
Molecular consequence: frameshift variant.
Genome position (GRCh38, 1-based): chr22:20,996,907, A duplicated; the last of 4 consecutive A bases (chr22:20,996,904-20,996,907); duplicating any one gives the same sequence. VCF-style (leftmost placement, unchanged base first): chr22-20996903-C-CA. GRCh37 (hg19) VCF-style: chr22-21351192-C-CA.
Other names: c.2347dupA (NM_006767.3); c.2347dup (NM_006767.3); short protein forms T783fs.
Identifiers: ClinVar variation 1929324 (VCV001929324.10), dbSNP rs2147970527, ClinGen allele CA2580099323.

ClinVar aggregate classification (germline): Conflicting classifications of pathogenicity. Review status: criteria provided, conflicting classifications (1 of 4 stars). 4 submissions from 4 submitters: Pathogenic (1); Likely pathogenic (2); Uncertain significance (1). Last evaluated 2023-03-23.

Conditions:
LZTR1-related schwannomatosis. Also called: Schwannomatosis 2; Schwannomatosis-2, susceptibility to. Identifiers: Orphanet 93921, MedGen C3810283, MONDO:0014299, OMIM 615670.
Noonan syndrome 2 (NS2). Identifiers: Orphanet 648, MedGen C1854469, MONDO:0011531, OMIM 605275.
Noonan syndrome 10 (NS10). Identifiers: Orphanet 648, MedGen C4225280, MONDO:0014693, OMIM 616564.
Hereditary cancer-predisposing syndrome. Also called: Hereditary neoplastic syndrome; Neoplastic Syndromes, Hereditary; Tumor predisposition; Hereditary Cancer Syndrome. Identifiers: Orphanet 140162, MedGen C0027672, MeSH D009386, MONDO:0015356.
Cardiovascular phenotype. Identifiers: MedGen CN230736.

Submissions (4):

GeneDx
Classification: Likely pathogenic. Last evaluated: 2023-03-23. Review status: criteria provided, single submitter. Criteria: GeneDx Variant Classification Process June 2021. Collection method: clinical testing. Allele origin: germline. Affected: yes.
Comment: Frameshift variant in which the last 58 amino acids are replaced with 67 different amino acids; Not observed at significant frequency in large population cohorts (gnomAD); Has not been previously published as pathogenic or benign to our knowledge

Ambry Genetics
Classification: Uncertain significance for Cardiovascular phenotype; Hereditary cancer-predisposing syndrome. Last evaluated: 2022-12-02. Review status: criteria provided, single submitter. Criteria: Ambry Variant Classification Scheme 2023. Collection method: clinical testing. Allele origin: germline.
Comment: The c.2347dupA variant, located in coding exon 20 of the LZTR1 gene, results from a duplication of A at nucleotide position 2347, causing a translational frameshift with a predicted alternate stop codon (p.T783Nfs*68). This alteration occurs at the 3' terminus of the LZTR1 gene, is not expected to trigger nonsense-mediated mRNAdecay and results in the elongation of the protein by 9 amino acids. This frameshift impacts the last 58 AAamino acids of the native protein. However, frameshifts are typically deleterious in nature. Loss-of-function variants in LZTR1 are related to an increased risk for schwannomas and autosomal recessive Noonan syndrome; however, such associations with autosomal dominant Noonan syndrome have not been observed (Piotrowski A et al. Nat Genet. 2014 Feb;46:182-7; Yamamoto GL et al. J Med Genet. 2015 Jun;52:413-21; Johnston JJ et al. Genet Med. 2018 10;20:1175-1185). Based on the supporting evidence, the association of this alteration with LZTR1-related schwannomatosis (SWN) and autosomal recessive Noonan syndrome is unknown; however, the association of this alteration with autosomal dominant Noonan syndrome is unlikely.

Labcorp Genetics (formerly Invitae), Labcorp
Classification: Pathogenic. Last evaluated: 2022-06-14. Review status: criteria provided, single submitter. Criteria: Invitae Variant Classification Sherloc (09022015). Collection method: clinical testing. Allele origin: germline.
Comment: For these reasons, this variant has been classified as Pathogenic. This variant disrupts a region of the LZTR1 protein in which other variant(s) (p.Leu806Trp) have been determined to be pathogenic (Invitae). This suggests that this is a clinically significant region of the protein, and that variants that disrupt it are likely to be disease-causing. This variant has not been reported in the literature in individuals affected with LZTR1-related conditions. This variant is not present in population databases (gnomAD no frequency). This sequence change results in a frameshift in the LZTR1 gene (p.Thr783Asnfs*68). While this is not anticipated to result in nonsense mediated decay, it is expected to disrupt the last 58 amino acid(s) of the LZTR1 protein and extend the protein by 9 additional amino acid residues.

Juno Genomics, Hangzhou Juno Genomics, Inc
Classification: Likely pathogenic for LZTR1-related schwannomatosis; Noonan syndrome 10; Noonan syndrome 2. Review status: criteria provided, single submitter. Criteria: ACMG Guidelines, 2015. Collection method: clinical testing. Allele origin: germline.
Comment: Null variant in a gene where loss of function (LOF) is a known mechanism of disease.;Absent from controls (or at extremely low frequency if recessive) in Genome Aggregation Database.